The following is an entry in ClinVar:

ClinVar aggregate classification (germline): Benign/Likely benign. Review status: criteria provided, multiple submitters, no conflicts (2 of 4 stars). 4 submissions from 4 submitters: Benign (2); Likely benign (1). 1 of the submissions does not count toward it. Last evaluated 2025-09-05.

Conditions:
Inborn genetic diseases. Identifiers: MedGen C0950123, MeSH D030342.
Finnish type amyloidosis. Also called: Lattice corneal dystrophy associated with familial systemic amyloidosis; Meretoja's syndrome; Lattice dystrophy of the cornea with hereditary generalized amyloidosis; AMYLOID CRANIAL NEUROPATHY WITH LATTICE CORNEAL DYSTROPHY; AMYLOIDOSIS DUE TO MUTANT GELSOLIN; Amyloidosis, familial, Finnish type. Identifiers: Orphanet 85448, MedGen C1622345, MONDO:0007097, OMIM 105120.
GSN-related disorder. Also called: GSN-related condition.

Allele frequency attached by ClinVar (database versions not stated): gnomAD exomes 0.00009 and 0.00055; gnomAD 0.00016 and 0.00019; TOPMed 0.00033; ExAC 0.00057; 1000 Genomes Project 30x 0.00094; 1000 Genomes Project 0.00100.
gnomAD v4.1: 162 of 1,597,392 alleles (0.01%); highest among the groups gnomAD compares: East Asian, 0.34%; 1 homozygote.

Submissions (4):

Labcorp Genetics (formerly Invitae), Labcorp
Classification: Benign. Last evaluated: 2025-09-05. Review status: criteria provided, single submitter. Criteria: Invitae Variant Classification Sherloc (09022015). Collection method: clinical testing. Allele origin: germline.

Ambry Genetics
Classification: Likely benign for Inborn genetic diseases. Last evaluated: 2019-11-12. Review status: criteria provided, single submitter. Criteria: Ambry Variant Classification Scheme 2023. Collection method: clinical testing. Allele origin: germline.

Illumina Laboratory Services, Illumina
Classification: Benign for Finnish type amyloidosis. Last evaluated: 2018-01-13. Review status: criteria provided, single submitter. Criteria: ICSL Variant Classification Criteria 13 December 2019. Collection method: clinical testing. Allele origin: germline.
Comment: This variant was observed in the ICSL laboratory as part of a predisposition screen in an ostensibly healthy population. It had not been previously curated by ICSL or reported in the Human Gene Mutation Database (HGMD: prior to June 1st, 2018), and was therefore a candidate for classification through an automated scoring system. Utilizing variant allele frequency, disease prevalence and penetrance estimates, and inheritance mode, an automated score was calculated to assess if this variant is too frequent to cause the disease. Based on the score and internal cut-off values, a variant classified as benign is not then subjected to further curation. The score for this variant resulted in a classification of benign for this disease.

PreventionGenetics, part of Exact Sciences
Classification: Benign for GSN-related condition. Last evaluated: 2019-08-30. Review status: no assertion criteria provided. Collection method: clinical testing. Allele origin: germline. Not counted in ClinVar's aggregate classification.
Comment: This variant is classified as benign based on ACMG/AMP sequence variant interpretation guidelines (Richards et al. 2015 PMID: 25741868, with internal and published modifications).

NM_198252.3(GSN):c.1727C>G (p.Ala576Gly)

Gene: GSN (gelsolin; plus strand). Cytogenetic location: 9q33.2.
Variant type: single nucleotide variant.
Coding change: c.1727C>G on transcript NM_198252.3 (MANE Select); coding-DNA position 1727, C replaced by G.
Protein change: p.Ala576Gly; replaces alanine 576 with glycine.
Molecular consequence: missense variant.
Genome position (GRCh38, 1-based): chr9:121,327,447, C>G. VCF-style: chr9-121327447-C-G. GRCh37 (hg19) VCF-style: chr9-124089725-C-G.
Other names: c.1880C>G, p.Ala627Gly (NM_000177.5); c.1727C>G, p.Ala576Gly (NM_001127662.2, NM_001127664.2, NM_001127665.2 and 10 more transcripts); c.1835C>G, p.Ala612Gly (NM_001127663.2); c.1760C>G, p.Ala587Gly (NM_001127666.2, NM_001127667.2, NM_001353063.2 and 13 more transcripts); c.1778C>G, p.Ala593Gly (NM_001258029.2); c.1751C>G, p.Ala584Gly (NM_001258030.2); c.1799C>G, p.Ala600Gly (NM_001353076.2); c.1073C>G, p.Ala358Gly (NM_001353078.2); short protein forms A358G, A587G, A600G, A612G, A576G, A593G, A584G, A627G.
Identifiers: ClinVar variation 913954 (VCV000913954.15), dbSNP rs567372749, ClinGen allele CA5221390.